The following is an entry in ClinVar:

ClinVar aggregate classification (germline): Benign. Review status: criteria provided, multiple submitters, no conflicts (2 of 4 stars). 8 submissions from 8 submitters: Benign (6). 2 of the submissions do not count toward it. Last evaluated 2026-02-03.

Conditions:
Inborn genetic diseases. Identifiers: MedGen C0950123, MeSH D030342.
Progressive myoclonic epilepsy. Also called: Myoclonus epilepsy; Familial progressive myoclonic epilepsy; Progressive myoclonus epilepsy; Myoclonic Epilepsies, Progressive. Identifiers: Orphanet 308, Orphanet 98261, MedGen C0751778, MONDO:0020074.
Lafora disease. Also called: Epilepsy progressive myoclonic 2; Progressive Myoclonus Epilepsy, Lafora Type. Identifiers: Orphanet 501, MedGen C0751783, MONDO:0009697.

Allele frequency attached by ClinVar (database versions not stated): 1000 Genomes Project 0.12200; 1000 Genomes Project 30x 0.12633; ESP Exome Variant Server 0.17922; gnomAD 0.18089 and 0.18342; TOPMed 0.18115; ExAC 0.20513; gnomAD exomes 0.21395 and 0.23093.
gnomAD v4.1: 363,659 of 1,612,596 alleles (23%); highest among the groups gnomAD compares: Admixed American, 33%; 44,761 homozygotes.

Submissions (8):

Labcorp Genetics (formerly Invitae), Labcorp
Classification: Benign for Progressive myoclonic epilepsy. Last evaluated: 2026-02-03. Review status: criteria provided, single submitter. Criteria: Invitae Variant Classification Sherloc (09022015). Collection method: clinical testing. Allele origin: germline.

Unidad de Genómica Garrahan, Hospital de Pediatría Garrahan
Classification: Benign. Last evaluated: 2024-07-15. Review status: criteria provided, single submitter. Criteria: ACMG Guidelines, 2015. Collection method: clinical testing. Allele origin: germline. Affected: no. Observed: 51 variant alleles.
Comment: This variant is classified as Benign based on local population frequency. This variant was detected in 55% of patients studied in a panel designed for Epileptic and Developmental Encephalopathy and Progressive Myoclonus Epilepsy. Number of patients: 51. Only high quality variants are reported.

Athena Diagnostics
Classification: Benign for Myoclonic epilepsy of Lafora 1. Last evaluated: 2017-04-29. Review status: criteria provided, single submitter. Criteria: Athena Diagnostics Criteria. Collection method: clinical testing. Allele origin: germline.

Ambry Genetics
Classification: Benign for Inborn genetic diseases. Last evaluated: 2016-01-08. Review status: criteria provided, single submitter. Criteria: Ambry Variant Classification Scheme 2023. Collection method: clinical testing. Allele origin: germline.

GeneDx
Classification: Benign. Last evaluated: 2015-03-03. Review status: criteria provided, single submitter. Criteria: GeneDx Variant Classification Process June 2021. Collection method: clinical testing. Allele origin: germline. Affected: yes.

PreventionGenetics, part of Exact Sciences
Classification: Benign. Review status: criteria provided, single submitter. Criteria: ACMG Guidelines, 2015. Collection method: clinical testing. Allele origin: germline.

Mayo Clinic Laboratories, Mayo Clinic
Classification: Benign. Last evaluated: 2015-10-19. Review status: no assertion criteria provided. Collection method: clinical testing. Allele origin: unknown. Not counted in ClinVar's aggregate classification.

Genetic Services Laboratory, University of Chicago
Classification: Likely benign for AllHighlyPenetrant. Review status: no assertion criteria provided. Collection method: clinical testing. Allele origin: germline. Inheritance: Autosomal recessive inheritance. Not counted in ClinVar's aggregate classification.
Comment: Likely benign based on allele frequency in 1000 Genomes Project or ESP global frequency and its presence in a patient with a rare or unrelated disease phenotype. NOT Sanger confirmed.

NM_005670.4(EPM2A):c.402G>A (p.Gly134=)

Gene: EPM2A (EPM2A glucan phosphatase, laforin; minus strand). Cytogenetic location: 6q24.3.
Variant type: single nucleotide variant.
Coding change: c.402G>A on transcript NM_005670.4 (MANE Select); coding-DNA position 402, G replaced by A.
Protein change: p.Gly134=; no amino-acid change (glycine 134 retained).
Molecular consequence: synonymous variant. On other transcripts: 5 prime UTR variant (5), non-coding transcript variant (1).
Genome position (GRCh38, 1-based): chr6:145,686,196, C>T on the plus strand (G>A on the coding strand, the complement: EPM2A is on the minus strand). VCF-style: chr6-145686196-C-T. GRCh37 (hg19) VCF-style: chr6-146007332-C-T.
Other names: c.402G>A, p.Gly134= (NM_001018041.2, NM_001360057.2, NM_001368130.1); c.-13G>A (NM_001360064.2, NM_001360071.2, NM_001368131.1); c.-222G>A (NM_001368129.2, NM_001368132.1).
Identifiers: ClinVar variation 129005 (VCV000129005.26), dbSNP rs35230590, ClinGen allele CA152754.
Genomic context (GRCh38, chr6:145,686,196, plus strand): 5'-GGCTTGGTGGCCTGCAATATTAAAATAGAAGTCTGTTGTGTGCTTCATTTCATTGGTGTG[C>T]CCAGTGGCCTCAATCCAGTGTCCTATTGGGAGACAATACACACCATCCACCAAGTTGTTT-3'
Protein context (NP_005661.1, residues 124-144): LPIGHWIEAT[Gly134=]HTNEMKHTTD